The following is an entry in ClinVar:

NM_001134363.3(RBM20):c.2114A>T (p.Asp705Val)

Gene: RBM20 (RNA binding motif protein 20; plus strand). Cytogenetic location: 10q25.2.
Variant type: single nucleotide variant.
Coding change: c.2114A>T on transcript NM_001134363.3 (MANE Select); coding-DNA position 2114, A replaced by T.
Protein change: p.Asp705Val; replaces aspartic acid 705 with valine.
Molecular consequence: missense variant.
Genome position (GRCh38, 1-based): chr10:110,812,511, A>T. VCF-style: chr10-110812511-A-T. GRCh37 (hg19) VCF-style: chr10-112572269-A-T.
Other names: short protein forms D705V.
Identifiers: ClinVar variation 4855313 (VCV004855313.1).
Genomic context (GRCh38, chr10:110,812,511, plus strand): 5'-AGGAAGAGCGAGACCCGGCTCCCTGGAGGGACAACGGAGATGACAAGAGGGACAGGATGG[A>T]CCCCTGGGCACATGATCGCAAACACCACCCCCGGCAACTGGACAAGGCTGAGTTGGACGA-3'
Protein context (NP_001127835.2, residues 695-715): DNGDDKRDRM[Asp705Val]PWAHDRKHHP

ClinVar aggregate classification (germline): Uncertain significance (1 of 4 stars; one submission).

Conditions:
Dilated cardiomyopathy 1DD (CMD1DD). Identifiers: Orphanet 154, MedGen C2750995, MONDO:0013168, OMIM 613172.

Submission:

3billion
Classification: Uncertain significance for Dilated cardiomyopathy 1DD. Last evaluated: 2025-09-30. Review status: criteria provided, single submitter. Criteria: ACMG Guidelines, 2015. Collection method: clinical testing. Allele origin: germline. Affected: yes.
Comment: The variant is not observed in the gnomAD v4.1.0 dataset. Predicted Consequence/Location: Missense variant Damaging effect on gene or gene product predicted by in silico programs is uncertain [REVEL: 0.57 (damaging >=0.6, benign <0.4), 3Cnet: 0.00 (damaging >0.75, benign <0.1)]. Different missense changes at the same codon have been reported as of uncertain significance or benign (ClinVar ID: VCV001349161, VCV001786163). Therefore, this variant is classified as VUS according to the recommendation of ACMG/AMP guideline.